The following is an entry in ClinVar:

ClinVar aggregate classification (germline): Uncertain significance (1 of 4 stars; one submission).

Conditions:
Hyperekplexia 2 (HKPX2). Identifiers: Orphanet 3197, MedGen C3553291, MONDO:0013828, OMIM 614619.

Submission:

Labcorp Genetics (formerly Invitae), Labcorp
Classification: Uncertain significance for Hyperekplexia 2. Last evaluated: 2024-10-07. Review status: criteria provided, single submitter. Criteria: Invitae Variant Classification Sherloc (09022015). Collection method: clinical testing. Allele origin: germline.
Comment: This sequence change replaces glycine, which is neutral and non-polar, with valine, which is neutral and non-polar, at codon 424 of the GLRB protein (p.Gly424Val). This variant is not present in population databases (gnomAD no frequency). This variant has not been reported in the literature in individuals affected with GLRB-related conditions. ClinVar contains an entry for this variant (Variation ID: 1399724). Invitae Evidence Modeling of protein sequence and biophysical properties (such as structural, functional, and spatial information, amino acid conservation, physicochemical variation, residue mobility, and thermodynamic stability) indicates that this missense variant is not expected to disrupt GLRB protein function with a negative predictive value of 80%. In summary, the available evidence is currently insufficient to determine the role of this variant in disease. Therefore, it has been classified as a Variant of Uncertain Significance.

NM_000824.5(GLRB):c.1271G>T (p.Gly424Val)

Gene: GLRB (glycine receptor beta; plus strand). Cytogenetic location: 4q32.1.
Variant type: single nucleotide variant.
Coding change: c.1271G>T on transcript NM_000824.5 (MANE Select); coding-DNA position 1271, G replaced by T.
Protein change: p.Gly424Val; replaces glycine 424 with valine.
Molecular consequence: missense variant. On other transcripts: 3 prime UTR variant (1).
Genome position (GRCh38, 1-based): chr4:157,170,505, G>T. VCF-style: chr4-157170505-G-T. GRCh37 (hg19) VCF-style: chr4-158091657-G-T.
Other names: c.1271G>T, p.Gly424Val (NM_001166060.2); c.*66G>T (NM_001166061.2); short protein forms G424V.
Identifiers: ClinVar variation 1399724 (VCV001399724.6), dbSNP rs2126637682, ClinGen allele CA358645025.